The following is an entry in ClinVar:

NM_000051.4(ATM):c.8584+1G>C

Genes: C11orf65 (chromosome 11 open reading frame 65; minus strand), ATM (ATM serine/threonine kinase; plus strand). Cytogenetic location: 11q22.3.
Variant type: single nucleotide variant.
Coding change: c.8584+1G>C on transcript NM_000051.4 (MANE Select); the canonical splice donor site of the intron after coding-DNA position 8584, G replaced by C.
Molecular consequence: splice donor variant. On other transcripts: intron variant (2).
Genome position (GRCh38, 1-based): chr11:108,345,909, G>C. VCF-style: chr11-108345909-G-C. GRCh37 (hg19) VCF-style: chr11-108216636-G-C.
Other names: c.8584+1G>C (NM_001351834.2); c.641-36838C>G (NM_001330368.2); c.695-10617C>G (NM_001351110.2).
Identifiers: ClinVar variation 1696822 (VCV001696822.3), dbSNP rs876658182, ClinGen allele CA382518822.

ClinVar aggregate classification (germline): Likely pathogenic. Review status: criteria provided, multiple submitters, no conflicts (2 of 4 stars). 3 submissions from 3 submitters: Likely pathogenic (3). Last evaluated 2024-09-05.

Conditions:
Malignant tumor of breast. Also called: Malignant breast neoplasm; Cancer breast. Identifiers: MedGen C0006142, MONDO:0007254. Disease mechanism: loss of function.
Familial cancer of breast. Also called: Hereditary breast cancer; hereditary breast carcinoma; BREAST CANCER, FAMILIAL. Identifiers: Orphanet 227535, MedGen C0346153, MONDO:0016419, OMIM 114480. Disease mechanism: loss of function.
Carcinoma of pancreas. Also called: PANCREATIC ACINAR CARCINOMA; PANCREATIC CARCINOMA; Pancreatic cancer, somatic; Pancreatic carcinoma, somatic; Exocrine pancreatic carcinoma. Identifiers: Orphanet 1333, Orphanet 217074, MedGen C0235974, MONDO:0005192. Disease mechanism: loss of function.

Submissions (3):

Women's Health and Genetics/Laboratory Corporation of America, LabCorp
Classification: Likely pathogenic for Malignant tumor of breast. Last evaluated: 2024-09-05. Review status: criteria provided, single submitter. Criteria: LabCorp Variant Classification Summary - May 2015. Collection method: clinical testing. Allele origin: germline.
Comment: Variant summary: ATM c.8584+1G>C is located in a canonical splice-site and is predicted to affect mRNA splicing resulting in a significantly altered protein due to either exon skipping, shortening, or inclusion of intronic material. Variants that disrupt the consensus splice site are a relatively common cause of aberrant splicing and loss of ATM function. Several computational tools predict a significant impact on normal splicing: One predicts the variant abolishes a 5' splicing donor site. However, these predictions have yet to be confirmed by functional studies. The variant was absent in 250994 control chromosomes. c.8584+1G>C has been reported in the literature in an individual suspected of a hereditary cancer syndrome, with a personal history of pancreatic cancer and a family history of gall bladder cancer, leukemia, and breast cancer (Desmond_2015). To our knowledge, no experimental evidence demonstrating an impact on protein function has been reported. The following publication has been ascertained in the context of this evaluation (PMID: 26270727). ClinVar contains an entry for this variant (Variation ID: 1696822). Based on the evidence outlined above, the variant was classified as likely pathogenic.

Myriad Genetics, Inc.
Classification: Likely pathogenic for Familial cancer of breast. Last evaluated: 2024-02-02. Review status: criteria provided, single submitter. Criteria: Myriad Autosomal Dominant, Autosomal Recessive and X-Linked Classification Criteria (2023). Collection method: clinical testing. Allele origin: unknown.
Comment: This variant is considered likely pathogenic. This variant occurs within a consensus splice junction and is predicted to result in abnormal mRNA splicing of either an out-of-frame exon or an in-frame exon necessary for protein stability and/or normal function.

Human Genetics Bochum, Ruhr University Bochum
Classification: Likely pathogenic for Familial pancreatic carcinoma. Last evaluated: 2022-06-17. Review status: criteria provided, single submitter. Criteria: ACMG Guidelines, 2015. Collection method: clinical testing. Allele origin: germline. Affected: yes.
Comment: ACMG criteria used to clasify this variant: PVS1, PM2

Literature cited by the submitters: PubMed 26270727 (cited by Women's Health and Genetics/Laboratory Corporation of America, LabCorp).